The following is an entry in ClinVar:

NM_198525.3(KIF7):c.*37G>A

Gene: KIF7 (kinesin family member 7; minus strand). Cytogenetic location: 15q26.1.
Variant type: single nucleotide variant.
Coding change: c.*37G>A on transcript NM_198525.3 (MANE Select); 37 bases downstream of the stop codon, G replaced by A.
Molecular consequence: 3 prime UTR variant.
Genome position (GRCh38, 1-based): chr15:89,628,382, C>T on the plus strand (G>A on the coding strand, the complement: KIF7 is on the minus strand). VCF-style: chr15-89628382-C-T. GRCh37 (hg19) VCF-style: chr15-90171613-C-T.
Identifiers: ClinVar variation 317347 (VCV000317347.5), dbSNP rs147387691, ClinGen allele CA7727433.

ClinVar aggregate classification (germline): Likely benign (1 of 4 stars; one submission).

Conditions:
Acrocallosal syndrome (ACLS). Also called: HALLUX DUPLICATION, POSTAXIAL POLYDACTYLY, AND ABSENCE OF CORPUS CALLOSUM; Schinzel syndrome 1; Absence of corpus callosum with unusual facial appearance, mental deficiency, duplication of the halluces and polydactyly. Identifiers: Orphanet 36, MedGen C0796147, MONDO:0008708, OMIM 200990.

Allele frequency attached by ClinVar (database versions not stated): 1000 Genomes Project 0.00140; 1000 Genomes Project 30x 0.00172; ESP Exome Variant Server 0.00216; gnomAD 0.00236 and 0.00238; TOPMed 0.00238; gnomAD exomes 0.00281; ExAC 0.00331.
gnomAD v4.1: 5,392 of 1,572,470 alleles (0.34%); highest among the groups gnomAD compares: Non-Finnish European, 0.4%; 8 homozygotes.

Submission:

Illumina Laboratory Services, Illumina
Classification: Likely benign for Acrocallosal syndrome. Last evaluated: 2018-01-13. Review status: criteria provided, single submitter. Criteria: ICSL Variant Classification Criteria 13 December 2019. Collection method: clinical testing. Allele origin: germline.
Comment: This variant was observed in the ICSL laboratory as part of a predisposition screen in an ostensibly healthy population. It had not been previously curated by ICSL or reported in the Human Gene Mutation Database (HGMD: prior to June 1st, 2018), and was therefore a candidate for classification through an automated scoring system. Utilizing variant allele frequency, disease prevalence and penetrance estimates, and inheritance mode, an automated score was calculated to assess if this variant is too frequent to cause the disease. Based on the score and internal cut-off values, a variant classified as likely benign is not then subjected to further curation. The score for this variant resulted in a classification of likely benign for this disease.